The following is an entry in ClinVar:

NM_000179.3(MSH6):c.1178C>G (p.Ala393Gly)

Gene: MSH6 (mutS homolog 6; plus strand). Cytogenetic location: 2p16.3.
Variant type: single nucleotide variant.
Coding change: c.1178C>G on transcript NM_000179.3 (MANE Select); coding-DNA position 1178, C replaced by G.
Protein change: p.Ala393Gly; replaces alanine 393 with glycine.
Molecular consequence: missense variant.
Genome position (GRCh38, 1-based): chr2:47,799,161, C>G. VCF-style: chr2-47799161-C-G. GRCh37 (hg19) VCF-style: chr2-48026300-C-G.
Other names: c.788C>G, p.Ala263Gly (NM_001281492.2); c.272C>G, p.Ala91Gly (NM_001281493.2, NM_001281494.2); short protein forms A393G, A263G, A91G.
Identifiers: ClinVar variation 455119 (VCV000455119.22), dbSNP rs764110569, ClinGen allele CA067262.

ClinVar aggregate classification (germline): Conflicting classifications of pathogenicity. Review status: criteria provided, conflicting classifications (1 of 4 stars). 4 submissions from 4 submitters: Uncertain significance (3); Likely benign (1). Last evaluated 2025-12-08.

Conditions:
Hereditary nonpolyposis colorectal neoplasms. Identifiers: MedGen C0009405, MeSH D003123.
Hereditary cancer-predisposing syndrome. Also called: Hereditary Cancer Syndrome; Hereditary neoplastic syndrome; Neoplastic Syndromes, Hereditary; Tumor predisposition. Identifiers: Orphanet 140162, MedGen C0027672, MeSH D009386, MONDO:0015356.

Allele frequency attached by ClinVar (database versions not stated): gnomAD exomes 0.00001 and 0.00002; ExAC 0.00002.
gnomAD v4.1: 8 of 1,613,268 alleles (0.0005%); highest among the groups gnomAD compares: Non-Finnish European, 0.00068%; no homozygotes.

Submissions (4):

Labcorp Genetics (formerly Invitae), Labcorp
Classification: Likely benign for Hereditary nonpolyposis colorectal neoplasms. Last evaluated: 2025-12-08. Review status: criteria provided, single submitter. Criteria: Invitae Variant Classification Sherloc (09022015). Collection method: clinical testing. Allele origin: germline.

Ambry Genetics
Classification: Uncertain significance for Hereditary cancer-predisposing syndrome. Last evaluated: 2024-03-09. Review status: criteria provided, single submitter. Criteria: Ambry Variant Classification Scheme 2023. Collection method: clinical testing. Allele origin: germline.
Comment: The p.A393G variant (also known as c.1178C>G), located in coding exon 4 of the MSH6 gene, results from a C to G substitution at nucleotide position 1178. The alanine at codon 393 is replaced by glycine, an amino acid with similar properties. This amino acid position is not well conserved in available vertebrate species. In addition, this alteration is predicted to be tolerated by in silico analysis. Since supporting evidence is limited at this time, the clinical significance of this alteration remains unclear.

Color Diagnostics, LLC DBA Color Health
Classification: Uncertain significance for Hereditary cancer-predisposing syndrome. Last evaluated: 2024-03-06. Review status: criteria provided, single submitter. Criteria: ACMG Guidelines, 2015. Collection method: clinical testing. Allele origin: germline.
Comment: This missense variant replaces alanine with glycine at codon 393 of the MSH6 protein. Computational prediction suggests that this variant may not impact protein structure and function (internally defined REVEL score threshold <= 0.5, PMID: 27666373). To our knowledge, functional studies have not been reported for this variant. This variant has not been reported in individuals affected with MSH6-related disorders in the literature. This variant has been identified in 5/251092 chromosomes in the general population by the Genome Aggregation Database (gnomAD). The available evidence is insufficient to determine the role of this variant in disease conclusively. Therefore, this variant is classified as a Variant of Uncertain Significance.

GeneDx
Classification: Uncertain significance. Last evaluated: 2023-02-09. Review status: criteria provided, single submitter. Criteria: GeneDx Variant Classification Process June 2021. Collection method: clinical testing. Allele origin: germline. Affected: yes.
Comment: Not observed at significant frequency in large population cohorts (gnomAD); In silico analysis supports that this missense variant does not alter protein structure/function; Has not been previously published as pathogenic or benign to our knowledge; This variant is associated with the following publications: (PMID: 17531815, 21120944)